The following is an entry in ClinVar:

ClinVar aggregate classification (germline): Benign/Likely benign. Review status: criteria provided, multiple submitters, no conflicts (2 of 4 stars). 4 submissions from 4 submitters: Benign (2); Likely benign (2). Last evaluated 2026-01-04.

Conditions:
RASopathy. Also called: Noonan spectrum disorder; rasopathies. Identifiers: Orphanet 536391, MedGen C5555857, MONDO:0021060.

Submissions (4):

Labcorp Genetics (formerly Invitae), Labcorp
Classification: Likely benign for RASopathy. Last evaluated: 2026-01-04. Review status: criteria provided, single submitter. Criteria: Invitae Variant Classification Sherloc (09022015). Collection method: clinical testing. Allele origin: germline.

Blueprint Genetics
Classification: Likely benign. Last evaluated: 2024-11-08. Review status: criteria provided, single submitter. Criteria: ACMG Guidelines, 2015. Collection method: clinical testing. Allele origin: germline.

Women's Health and Genetics/Laboratory Corporation of America, LabCorp
Classification: Benign. Last evaluated: 2023-03-27. Review status: criteria provided, single submitter. Criteria: LabCorp Variant Classification Summary - May 2015. Collection method: clinical testing. Allele origin: germline.
Comment: Variant summary: PTPN11 c.1448-15_1448-13delATG alters a non-conserved nucleotide located close to a canonical splice site and therefore could affect mRNA splicing, leading to a significantly altered protein sequence. The variant allele was found at a frequency of 0.0002 in 251326 control chromosomes, predominantly at a frequency of 0.00041 within the Non-Finnish European subpopulation in the gnomAD database. The observed variant frequency within Non-Finnish European control individuals in the gnomAD database is approximately 7 fold of the estimated maximal expected allele frequency for a pathogenic variant in PTPN11 causing Noonan Syndrome phenotype (6.3e-05), strongly suggesting that the variant is a benign polymorphism found primarily in populations of Non-Finnish European origin. To our knowledge, no occurrence of c.1448-15_1448-13delATG in individuals affected with Noonan Syndrome and no experimental evidence demonstrating its impact on protein function have been reported. Two clinical diagnostic laboratories have submitted clinical-significance assessments for this variant to ClinVar after 2014 and all classified the variant as benign/likely benign. Based on the evidence outlined above, the variant was classified as benign.

GeneDx
Classification: Benign. Last evaluated: 2015-04-29. Review status: criteria provided, single submitter. Criteria: GeneDx Variant Classification Process June 2021. Collection method: clinical testing. Allele origin: germline. Affected: yes.

Literature cited by the submitters: PubMed 15385933 (cited by Women's Health and Genetics/Laboratory Corporation of America, LabCorp); PubMed 14644997 (cited by Women's Health and Genetics/Laboratory Corporation of America, LabCorp); PubMed 25097206 (cited by Women's Health and Genetics/Laboratory Corporation of America, LabCorp); PubMed 19047918 (cited by Women's Health and Genetics/Laboratory Corporation of America, LabCorp); PubMed 17972951 (cited by Women's Health and Genetics/Laboratory Corporation of America, LabCorp); PubMed 25395418 (cited by Women's Health and Genetics/Laboratory Corporation of America, LabCorp); PubMed 27276561 (cited by Women's Health and Genetics/Laboratory Corporation of America, LabCorp); PubMed 27069254 (cited by Women's Health and Genetics/Laboratory Corporation of America, LabCorp).

NM_002834.5(PTPN11):c.1448-15_1448-13del

Gene: PTPN11 (protein tyrosine phosphatase non-receptor type 11; plus strand). Cytogenetic location: 12q24.13.
Variant type: Microsatellite.
Coding change: c.1448-15_1448-13del on transcript NM_002834.5 (MANE Select); 15 bases into the intron before coding-DNA position 1448 through 13 bases into the intron before coding-DNA position 1448, 3 bases deleted (ATG; older notation c.1448-15_1448-13delATG).
Molecular consequence: intron variant.
Genome position (GRCh38, 1-based): chr12:112,489,009-112,489,011, ATG deleted; deleting any 3 consecutive bases within chr12:112,489,006-112,489,011 gives the same sequence; the c. name uses the placement nearest the transcript's 3' end. VCF-style (leftmost placement, unchanged base first): chr12-112489005-CATG-C. GRCh37 (hg19) VCF-style: chr12-112926809-CATG-C.
Other names: c.1448-15_1448-13delATG (NM_002834.4); c.1460-15_1460-13del (NM_001330437.2); c.1445-15_1445-13del (NM_001374625.1).
Identifiers: ClinVar variation 1229694 (VCV001229694.12), dbSNP rs775920290, ClinGen allele CA6798795.
Genomic context (GRCh38, chr12:112,489,005, plus strand): 5'-TCCACTAAAAGTTGTGCATTAAACAACTTCATCCTGGCTCTGCAGTTTCTCTTTATTCTT[CATG>C]ATGTTTCCTTCGTAGGTGTTGACTGCGATATTGACGTTCCCAAAACCATCCAGATGGTGC-3'